The following is an entry in ClinVar:

NM_133259.4(LRPPRC):c.150-19del

Gene: LRPPRC (leucine rich pentatricopeptide repeat containing; minus strand). Cytogenetic location: 2p21.
Variant type: Deletion.
Coding change: c.150-19del on transcript NM_133259.4 (MANE Select); 19 bases into the intron before coding-DNA position 150, one base deleted (A; older notation c.150-19delA).
Molecular consequence: intron variant.
Genome position (GRCh38, 1-based): chr2:43,982,453, T deleted on the plus strand (A on the coding strand, the reverse complement: LRPPRC is on the minus strand); the first of 2 consecutive T bases (chr2:43,982,453-43,982,454); deleting either gives the same sequence. VCF-style (leftmost placement, unchanged base first): chr2-43982452-AT-A. GRCh37 (hg19) VCF-style: chr2-44209591-AT-A.
Other names: c.150-19delA (NM_133259.3).
Identifiers: ClinVar variation 512033 (VCV000512033.9), dbSNP rs777754167, ClinGen allele CA1639451.

ClinVar aggregate classification (germline): Likely benign. Review status: criteria provided, multiple submitters, no conflicts (2 of 4 stars). 3 submissions from 3 submitters: Likely benign (3). Last evaluated 2026-01-26.

Submissions (3):

Labcorp Genetics (formerly Invitae), Labcorp
Classification: Likely benign. Last evaluated: 2026-01-26. Review status: criteria provided, single submitter. Criteria: Invitae Variant Classification Sherloc (09022015). Collection method: clinical testing. Allele origin: germline.

Blueprint Genetics
Classification: Likely benign. Last evaluated: 2024-10-15. Review status: criteria provided, single submitter. Criteria: ACMG Guidelines, 2015. Collection method: clinical testing. Allele origin: germline.

GeneDx
Classification: Likely benign. Last evaluated: 2017-10-03. Review status: criteria provided, single submitter. Criteria: GeneDx Variant Classification (06012015). Collection method: clinical testing. Allele origin: germline. Affected: yes.
Comment: This variant is considered likely benign or benign based on one or more of the following criteria: it is a conservative change, it occurs at a poorly conserved position in the protein, it is predicted to be benign by multiple in silico algorithms, and/or has population frequency not consistent with disease.